The following is an entry in ClinVar:

ClinVar aggregate classification (germline): Conflicting classifications of pathogenicity. Review status: criteria provided, conflicting classifications (1 of 4 stars). 3 submissions from 3 submitters: Uncertain significance (1); Likely benign (2). Last evaluated 2025-08-09.

Conditions:
Inborn genetic diseases. Identifiers: MedGen C0950123, MeSH D030342.

Allele frequency attached by ClinVar (database versions not stated): TOPMed 0.00002.

Submissions (3):

Ambry Genetics
Classification: Likely benign for Inborn genetic diseases. Last evaluated: 2025-08-09. Review status: criteria provided, single submitter. Criteria: Ambry Variant Classification Scheme 2023. Collection method: clinical testing. Allele origin: germline.

CeGaT Center for Human Genetics Tuebingen
Classification: Uncertain significance. Last evaluated: 2024-09-01. Review status: criteria provided, single submitter. Criteria: CeGaT Center For Human Genetics Tuebingen Variant Classification Criteria Version 2. Collection method: clinical testing. Allele origin: germline. Affected: yes. Observed: 1 variant allele.
Comment: SAMD9: PM2:Supporting, PS2:Supporting, BP7

Genetic Services Laboratory, University of Chicago
Classification: Likely benign. Last evaluated: 2018-08-07. Review status: criteria provided, single submitter. Criteria: ACMG Guidelines, 2015. Collection method: clinical testing. Allele origin: germline. Affected: no.

NM_017654.4(SAMD9):c.4378C>T (p.Leu1460=)

Gene: SAMD9 (sterile alpha motif domain containing 9; minus strand). Cytogenetic location: 7q21.2.
Variant type: single nucleotide variant.
Coding change: c.4378C>T on transcript NM_017654.4 (MANE Select); coding-DNA position 4378, C replaced by T.
Protein change: p.Leu1460=; no amino-acid change (leucine 1460 retained).
Molecular consequence: synonymous variant.
Genome position (GRCh38, 1-based): chr7:93,101,720, G>A on the plus strand (C>T on the coding strand, the complement: SAMD9 is on the minus strand). VCF-style: chr7-93101720-G-A. GRCh37 (hg19) VCF-style: chr7-92731033-G-A.
Other names: c.4378C>T, p.Leu1460= (NM_001193307.2).
Identifiers: ClinVar variation 1336835 (VCV001336835.19), dbSNP rs1366768986, ClinGen allele CA456624992.
Genomic context (GRCh38, chr7:93,101,720, plus strand): 5'-ATGCAATTGGTTGCTTTGTACGATGCATATGTTTATATTGCCCCTTGAAAGAATTTTTTA[G>A]TGCTTGAGCATACTCTTTCATTTGTTCAGAATGTTGATCTAGTTGTTGATTTTCTGGCCA-3'
Protein context (NP_060124.2, residues 1450-1470): SEQMKEYAQA[Leu1460=]KNSFKGQYKH